The following is an entry in ClinVar:

NM_000064.4(C3):c.2768_2773del (p.Asp923_Gly924del)

Gene: C3 (complement C3; minus strand). Cytogenetic location: 19p13.3.
Variant type: Deletion.
Coding change: c.2768_2773del on transcript NM_000064.4 (MANE Select); coding-DNA positions 2768 to 2773, 6 bases deleted (ACGGTG; older notation c.2768_2773delACGGTG).
Protein change: p.Asp923_Gly924del.
Genome position (GRCh38, 1-based): chr19:6,697,367-6,697,372, CACCGT deleted on the plus strand (ACGGTG on the coding strand, the reverse complement: C3 is on the minus strand); deleting any 6 consecutive bases within chr19:6,697,367-6,697,375 gives the same sequence; the c. name uses the placement nearest the transcript's 3' end. VCF-style (leftmost placement, unchanged base first): chr19-6697366-ACACCGT-A. GRCh37 (hg19) VCF-style: chr19-6697377-ACACCGT-A.
Identifiers: ClinVar variation 4280265 (VCV004280265.1).
Genomic context (GRCh38, chr19:6,697,366, plus strand): 5'-CTGAAGGACAAGGGTTTGTGGGTGCCCCAAGCACTCACCACGACCTTCAGGGACTTCCTG[ACACCGT>A]CACTGATGAAATGATGGTAGACAGCAGCCTTGACTTCCACTTCCTGCAGGCCGGTCTTTA-3'

ClinVar aggregate classification (germline): Likely pathogenic (1 of 4 stars; one submission).

Conditions:
C3 glomerulonephritis. Also called: C3 GLOMERULOPATHY 3; Nephropathy due to CFHR5 Deficiency. Identifiers: Orphanet 329931, MedGen C4055342, MONDO:0013892, OMIM 614809.

Submission:

Genomenon, Inc
Classification: Likely pathogenic for C3 glomerulonephritis. Last evaluated: 2025-09-30. Review status: criteria provided, single submitter. Criteria: Genomenon Sequence Variant Interpretation Standards. Collection method: curation. Allele origin: germline. Affected: yes.
Comment: C3 p.Asp923_Gly924del (c.2768_2773del) is an in-frame deletion variant that results in the deletion of two amino acids, Aspartic acid at position 923 and Glycine at position 924. This variant has been observed in at least one proband affected with C3 glomerulonephritis (PMID:20852386). The variant was found to segregate with disease in at least one affected family (PMID:20852386). Functional studies have been reported; however, the significance of the findings remain unclear (PMID:20852386). It is absent or not present at a significant frequency in gnomAD. In conclusion, we classify C3 p.Asp923_Gly924del (c.2768_2773del) as a likely pathogenic variant.

Literature cited by the submitters: PubMed 20852386.